The following is an entry in ClinVar:

NM_001134363.3(RBM20):c.3304G>A (p.Val1102Met)

Gene: RBM20 (RNA binding motif protein 20; plus strand). Cytogenetic location: 10q25.2.
Variant type: single nucleotide variant.
Coding change: c.3304G>A on transcript NM_001134363.3 (MANE Select); coding-DNA position 3304, G replaced by A.
Protein change: p.Val1102Met; replaces valine 1102 with methionine.
Molecular consequence: missense variant.
Genome position (GRCh38, 1-based): chr10:110,821,923, G>A. VCF-style: chr10-110821923-G-A. GRCh37 (hg19) VCF-style: chr10-112581681-G-A.
Other names: short protein forms V1102M.
Identifiers: ClinVar variation 2004152 (VCV002004152.4), dbSNP rs913217676, ClinGen allele CA378382707.

ClinVar aggregate classification (germline): Uncertain significance (1 of 4 stars; one submission).

Conditions:
Dilated cardiomyopathy 1DD (CMD1DD). Identifiers: Orphanet 154, MedGen C2750995, MONDO:0013168, OMIM 613172.

Allele frequency attached by ClinVar (database versions not stated): gnomAD exomes below 0.00001.
gnomAD v4.1: 1 of 1,551,706 alleles (0.000064%); highest among the groups gnomAD compares: Non-Finnish European, 0.000087%; no homozygotes.

Submission:

Labcorp Genetics (formerly Invitae), Labcorp
Classification: Uncertain significance for Dilated cardiomyopathy 1DD. Last evaluated: 2022-09-12. Review status: criteria provided, single submitter. Criteria: Invitae Variant Classification Sherloc (09022015). Collection method: clinical testing. Allele origin: germline.
Comment: Advanced modeling of protein sequence and biophysical properties (such as structural, functional, and spatial information, amino acid conservation, physicochemical variation, residue mobility, and thermodynamic stability) performed at Invitae indicates that this missense variant is not expected to disrupt RBM20 protein function. In summary, the available evidence is currently insufficient to determine the role of this variant in disease. Therefore, it has been classified as a Variant of Uncertain Significance. This variant has not been reported in the literature in individuals affected with RBM20-related conditions. This variant is not present in population databases (gnomAD no frequency). This sequence change replaces valine, which is neutral and non-polar, with methionine, which is neutral and non-polar, at codon 1102 of the RBM20 protein (p.Val1102Met).